The following is an entry in ClinVar:

ClinVar aggregate classification (germline): Uncertain significance (1 of 4 stars; one submission).

Conditions:
Cryopyrin associated periodic syndrome (CAPS). Identifiers: Orphanet 208650, MedGen C2316212, MONDO:0016168.

Submission:

Labcorp Genetics (formerly Invitae), Labcorp
Classification: Uncertain significance for Cryopyrin associated periodic syndrome. Last evaluated: 2023-05-05. Review status: criteria provided, single submitter. Criteria: Invitae Variant Classification Sherloc (09022015). Collection method: clinical testing. Allele origin: germline.
Comment: In summary, the available evidence is currently insufficient to determine the role of this variant in disease. Therefore, it has been classified as a Variant of Uncertain Significance. Advanced modeling of protein sequence and biophysical properties (such as structural, functional, and spatial information, amino acid conservation, physicochemical variation, residue mobility, and thermodynamic stability) performed at Invitae indicates that this missense variant is expected to disrupt NLRP3 protein function. This variant has not been reported in the literature in individuals affected with NLRP3-related conditions. This variant is not present in population databases (gnomAD no frequency). This sequence change replaces tryptophan, which is neutral and slightly polar, with arginine, which is basic and polar, at codon 478 of the NLRP3 protein (p.Trp478Arg).

NM_001243133.2(NLRP3):c.1426T>A (p.Trp476Arg)

Gene: NLRP3 (NLR family pyrin domain containing 3; plus strand). Cytogenetic location: 1q44.
Variant type: single nucleotide variant.
Coding change: c.1426T>A on transcript NM_001243133.2 (MANE Select); coding-DNA position 1426, T replaced by A.
Protein change: p.Trp476Arg; replaces tryptophan 476 with arginine.
Molecular consequence: missense variant.
Genome position (GRCh38, 1-based): chr1:247,424,875, T>A. VCF-style: chr1-247424875-T-A. GRCh37 (hg19) VCF-style: chr1-247588177-T-A.
Other names: c.1426T>A, p.Trp476Arg (NM_001079821.3, NM_001127461.3, NM_001127462.3 and 1 more transcripts); c.1432T>A, p.Trp478Arg (NM_004895.5); short protein forms W478R, W476R.
Identifiers: ClinVar variation 2862223 (VCV002862223.3), dbSNP rs2527270557, ClinGen allele CA345556854.